The following is an entry in ClinVar:

ClinVar aggregate classification (germline): Uncertain significance (1 of 4 stars; one submission).

Conditions:
Hereditary cancer-predisposing syndrome. Also called: Neoplastic Syndromes, Hereditary; Tumor predisposition; Hereditary Cancer Syndrome; Hereditary neoplastic syndrome. Identifiers: Orphanet 140162, MedGen C0027672, MeSH D009386, MONDO:0015356.

Submission:

Ambry Genetics
Classification: Uncertain significance for Hereditary cancer-predisposing syndrome. Last evaluated: 2024-11-16. Review status: criteria provided, single submitter. Criteria: Ambry Variant Classification Scheme 2023. Collection method: clinical testing. Allele origin: germline.
Comment: The p.P275L variant (also known as c.824C>T), located in coding exon 3 of the PHOX2B gene, results from a C to T substitution at nucleotide position 824. The proline at codon 275 is replaced by leucine, an amino acid with similar properties. This amino acid position is not well conserved in available vertebrate species. In addition, this alteration is predicted to be tolerated by in silico analysis. Since supporting evidence is limited at this time, the clinical significance of this alteration remains unclear.

NM_003924.4(PHOX2B):c.824C>T (p.Pro275Leu)

Gene: PHOX2B (paired like homeobox 2B; minus strand). Cytogenetic location: 4p13.
Variant type: single nucleotide variant.
Coding change: c.824C>T on transcript NM_003924.4 (MANE Select); coding-DNA position 824, C replaced by T.
Protein change: p.Pro275Leu; replaces proline 275 with leucine.
Molecular consequence: missense variant.
Genome position (GRCh38, 1-based): chr4:41,745,928, G>A on the plus strand (C>T on the coding strand, the complement: PHOX2B is on the minus strand). VCF-style: chr4-41745928-G-A. GRCh37 (hg19) VCF-style: chr4-41747945-G-A.
Other names: short protein forms P275L.
Identifiers: ClinVar variation 1762619 (VCV001762619.3), dbSNP rs1214203989, ClinGen allele CA356737066.